The following is an entry in ClinVar:

NM_007194.4(CHEK2):c.1067C>T (p.Ser356Leu)

Gene: CHEK2 (checkpoint kinase 2; minus strand). Cytogenetic location: 22q12.1.
Variant type: single nucleotide variant.
Coding change: c.1067C>T on transcript NM_007194.4 (MANE Select); coding-DNA position 1067, C replaced by T.
Protein change: p.Ser356Leu; replaces serine 356 with leucine.
Molecular consequence: missense variant. On other transcripts: intron variant (3).
Genome position (GRCh38, 1-based): chr22:28,696,929, G>A on the plus strand (C>T on the coding strand, the complement: CHEK2 is on the minus strand). VCF-style: chr22-28696929-G-A. GRCh37 (hg19) VCF-style: chr22-29092917-G-A.
Other names: chr22:29,092,917G>A; c.1196C>T, p.Ser399Leu (NM_001005735.3); c.404C>T, p.Ser135Leu (NM_001257387.3, NM_001437942.1); c.866C>T, p.Ser289Leu (NM_001349956.3); c.1160C>T, p.Ser387Leu (NM_001438293.1); c.1009-1056C>T (NM_145862.3); c.1102-1056C>T (NM_001438295.1); c.1138-1056C>T (NM_001438294.1); short protein forms S356L, S135L, S289L, S399L, S387L.
Identifiers: ClinVar variation 126907 (VCV000126907.67), dbSNP rs121908703, ClinGen allele CA169293.

ClinVar aggregate classification (germline): Uncertain significance. Review status: criteria provided, multiple submitters, no conflicts (2 of 4 stars). 16 submissions from 16 submitters: Uncertain significance (11). 5 of the submissions do not count toward it. Last evaluated 2026-01-27.

Conditions:
CHEK2-related disorder.
Hereditary cancer-predisposing syndrome. Also called: Tumor predisposition; Hereditary neoplastic syndrome; Neoplastic Syndromes, Hereditary; Hereditary Cancer Syndrome. Identifiers: Orphanet 140162, MedGen C0027672, MeSH D009386, MONDO:0015356.
Prostate cancer. Also called: Malignant tumor of prostate. Identifiers: Orphanet 1331, MedGen C0376358, MONDO:0008315, HP:0012125.
Familial cancer of breast. Also called: Hereditary breast cancer; hereditary breast carcinoma; BREAST CANCER, FAMILIAL. Identifiers: Orphanet 227535, MedGen C0346153, MONDO:0016419, OMIM 114480. Disease mechanism: loss of function.
Malignant tumor of breast. Also called: Malignant breast neoplasm; Cancer breast. Identifiers: MedGen C0006142, MONDO:0007254. Disease mechanism: loss of function.

Allele frequency attached by ClinVar (database versions not stated): TOPMed below 0.00001; gnomAD 0.00001; ExAC 0.00002; gnomAD exomes 0.00002.
gnomAD v4.1: 7 of 1,612,796 alleles (0.00043%); highest among the groups gnomAD compares: Middle Eastern, 0.016%; no homozygotes.

Submissions 1 to 11 of 16:

Labcorp Genetics (formerly Invitae), Labcorp
Classification: Uncertain significance for Familial cancer of breast. Last evaluated: 2026-01-27. Review status: criteria provided, single submitter. Criteria: Invitae Variant Classification Sherloc (09022015). Collection method: clinical testing. Allele origin: germline.
Comment: This sequence change replaces serine, which is neutral and polar, with leucine, which is neutral and non-polar, at codon 356 of the CHEK2 protein (p.Ser356Leu). This variant is present in population databases (rs121908703, gnomAD 0.004%). This missense change has been observed in individual(s) with non-Hodgkin lymphoma, thyroid cancer, or breast cancer (PMID: 26506619, 29700698, 30303537, 34991090). ClinVar contains an entry for this variant (Variation ID: 126907). An algorithm developed to predict the effect of missense changes on protein structure and function (PolyPhen-2) suggests that this variant is likely to be disruptive. Experimental studies are conflicting or provide insufficient evidence to determine the effect of this variant on CHEK2 function (PMID: 30851065, 31050813, 31409080). In summary, the available evidence is currently insufficient to determine the role of this variant in disease. Therefore, it has been classified as a Variant of Uncertain Significance.

CeGaT Center for Human Genetics Tuebingen
Classification: Uncertain significance. Last evaluated: 2026-01-01. Review status: criteria provided, single submitter. Criteria: CeGaT Center For Human Genetics Tuebingen Variant Classification Criteria Version 2. Collection method: clinical testing. Allele origin: germline. Affected: yes. Observed: 2 variant alleles.

PreventionGenetics, part of Exact Sciences
Classification: Uncertain significance for CHEK2-related condition. Last evaluated: 2025-09-24. Review status: criteria provided, single submitter. Criteria: ACMG Guidelines, 2015. Collection method: clinical testing. Allele origin: germline.
Comment: The CHEK2 c.1067C>T variant is predicted to result in the amino acid substitution p.Ser356Leu. This variant has been reported as a germline variant in an individual with Non-Hodgkin lymphoma (NHL) (Havranek et al. 2015. PubMed ID: 26506619) and in individuals with familial breast cancer (Supplementary Table S3, Girard et al. 2018. PubMed ID: 30303537; Aksoy et al. 2022. PubMed ID: 34991090). This variant has also been reported in the control population in a study of individuals with breast and ovarian cancer (Table 1, Kleiblova et al. 2019. PubMed ID: 31050813). A study analyzing in silico prediction tools and functional assays reported conflicting results for this variant in regards to pathogenicity (Table 1, Delimitsou et al. 2019. PubMed ID: 30851065; Kleiblova et al. 2019. PubMed ID: 31050813). This variant is reported in 0.0035% of alleles in individuals of European (Non-Finnish) descent in gnomAD and is interpreted with uncertain significance in ClinVar (Variation ID: 126907). At this time, the clinical significance of this variant is uncertain due to the absence of conclusive functional and genetic evidence.

Ambry Genetics
Classification: Uncertain significance for Hereditary cancer-predisposing syndrome. Last evaluated: 2025-06-10. Review status: criteria provided, single submitter. Criteria: Ambry Variant Classification Scheme 2023. Collection method: clinical testing. Allele origin: germline.
Comment: The p.S356L variant (also known as c.1067C>T), located in coding exon 9 of the CHEK2 gene, results from a C to T substitution at nucleotide position 1067. The serine at codon 356 is replaced by leucine, an amino acid with dissimilar properties. This alteration behaved as functional in an in vivo, yeast-based growth rate assay (Delimitsou A et al. Hum Mutat, 2019 05;40:631-648). This alteration was identified in an individual diagnosed with breast and/or ovarian cancer (Aksoy F et al. Hum Hered, 2022 Jan). This amino acid position is highly conserved in available vertebrate species. In addition, the in silico prediction for this alteration is inconclusive. Since supporting evidence is limited at this time, the clinical significance of this alteration remains unclear.

Center for Genomic Medicine, Rigshospitalet, Copenhagen University Hospital
Classification: Uncertain significance. Last evaluated: 2025-03-04. Review status: criteria provided, single submitter. Criteria: ACMG Guidelines, 2015. Collection method: clinical testing. Allele origin: germline.

GeneDx
Classification: Uncertain significance. Last evaluated: 2024-11-24. Review status: criteria provided, single submitter. Criteria: GeneDx Variant Classification Process June 2021. Collection method: clinical testing. Allele origin: germline. Affected: yes.
Comment: Published functional studies demonstrate DNA damage response comparable to wild type in a yeast-based assay as well as normal Chk2-autophosphorylation but intermediate/reduced kinase activity against KAP1 in human-cell based studies (PMID: 30851065, 31050813, 37449874); Observed in individuals with a personal and/or family history of breast and other cancers, but also observed in controls (PMID: 29700698, 30303537, 31050813, 34991090, 36315097); Not observed at significant frequency in large population cohorts (gnomAD); In silico analysis supports that this missense variant has a deleterious effect on protein structure/function; This variant is associated with the following publications: (PMID: 26506619, 29700698, 34426522, 31050813, 30303537, 34991090, 34565017, 30851065, 37449874, 36315097, AkarOS2024[article], 38976808, 22419737, 19782031, OzdemirO2024[article])

Color Diagnostics, LLC DBA Color Health
Classification: Uncertain significance for Hereditary cancer-predisposing syndrome. Last evaluated: 2024-02-13. Review status: criteria provided, single submitter. Criteria: ACMG Guidelines, 2015. Collection method: clinical testing. Allele origin: germline.
Comment: This missense variant replaces serine with leucine at codon 356 of the CHEK2 protein. Computational prediction tools and conservation analyses suggest that this variant may not impact protein structure and function. Functional studies have provide inconclusive results regarding this variant. The variant did not show functional deficit in a yeast DNA repair assay (PMID 30851065) but demonstrated intermediate functional impact in a kinase assay (PMID 31050813). This variant has been reported in 2 individuals with breast cancer (PMID: 30303537), an individual affected with non-Hodgkin lymphoma (PMID 26506619), and a patient with thyroid carcinoma (PMID 29700698) in the literature. This variant has been identified in 4/251254 chromosomes in the general population by the Genome Aggregation Database (gnomAD). The available evidence is insufficient to determine the role of this variant in disease conclusively. Therefore, this variant is classified as a Variant of Uncertain Significance.

Baylor Genetics
Classification: Uncertain significance for Familial cancer of breast. Last evaluated: 2023-12-12. Review status: criteria provided, single submitter. Criteria: ACMG Guidelines, 2015. Collection method: clinical testing. Allele origin: unknown.

Myriad Genetics, Inc.
Classification: Uncertain significance for Familial cancer of breast. Last evaluated: 2023-03-09. Review status: criteria provided, single submitter. Criteria: Myriad Autosomal Dominant, Autosomal Recessive and X-Linked Classification Criteria (2023). Collection method: clinical testing. Allele origin: unknown.
Comment: This variant is classified as a variant of uncertain significance as there is insufficient evidence to determine its impact on protein function and/or cancer risk.

MGZ Medical Genetics Center
Classification: Uncertain significance for Familial prostate cancer. Last evaluated: 2021-09-06. Review status: criteria provided, single submitter. Criteria: ACMG Guidelines, 2015. Collection method: clinical testing. Allele origin: germline. Affected: yes. Observed: 1 variant allele.
Comment: ACMG criteria applied: PS4_SUP, PM2_SUP

Women's Health and Genetics/Laboratory Corporation of America, LabCorp
Classification: Uncertain significance. Last evaluated: 2017-12-26. Review status: criteria provided, single submitter. Criteria: LabCorp Variant Classification Summary - May 2015. Collection method: clinical testing. Allele origin: germline.
Comment: Variant summary: The CHEK2 c.1067C>T (p.Ser356Leu) variant involves the alteration of a conserved nucleotide and is predicted to be damaging by 4/4 in silico tools (SNPsandGO not captured due to low reliability index). This variant was found in 4/215270 control chromosomes (gnomAD), predominantly observed in the European (Non-Finnish) subpopulation at a frequency of 0.000036 (4/111556). This frequency is about 1.3 times the estimated maximal expected allele frequency of an LFS-causing CHEK2 variant (0.0000284), suggesting this may be a benign polymorphism found primarily in the populations of European (Non-Finnish) origin. However, there are no other supporting evidences. This variant has been reported in one patient with non-Hodgkin Lymphoma (Havranek_2015). Multiple clinical diagnostic laboratories/reputable databases have classified this variant as uncertain significance. Taken together, this variant is classified as Variant of Unknown Significance.